The following is an entry in ClinVar:

ClinVar aggregate classification (germline): Likely benign (0 of 4 stars; one submission).

Conditions:
ADAM22-related disorder. Also called: ADAM22-related condition.

Allele frequency attached by ClinVar (database versions not stated): ExAC 0.00001; gnomAD exomes 0.00002; TOPMed 0.00009; gnomAD 0.00011; 1000 Genomes Project 0.00020; 1000 Genomes Project 30x 0.00031.
gnomAD v4.1: 47 of 1,610,564 alleles (0.0029%); highest among the groups gnomAD compares: African/African-American, 0.021%; no homozygotes.

Submission:

PreventionGenetics, part of Exact Sciences
Classification: Likely benign for ADAM22-related condition. Last evaluated: 2019-06-10. Review status: no assertion criteria provided. Collection method: clinical testing. Allele origin: germline.
Comment: This variant is classified as likely benign based on ACMG/AMP sequence variant interpretation guidelines (Richards et al. 2015 PMID: 25741868, with internal and published modifications).

NM_001324418.2(ADAM22):c.826-7A>G

Gene: ADAM22 (ADAM metallopeptidase domain 22; plus strand). Cytogenetic location: 7q21.12.
Variant type: single nucleotide variant.
Coding change: c.826-7A>G on transcript NM_001324418.2 (MANE Select); 7 bases into the intron before coding-DNA position 826, A replaced by G.
Molecular consequence: intron variant.
Genome position (GRCh38, 1-based): chr7:88,131,262, A>G. VCF-style: chr7-88131262-A-G. GRCh37 (hg19) VCF-style: chr7-87760577-A-G.
Other names: c.877-7A>G (NM_001391975.1, NM_001391980.1); c.802-7A>G (NM_001391982.1); c.826-7A>G (NM_001324420.2, NM_001391976.1, NM_021723.5 and 6 more transcripts); c.823-7A>G (NM_001324419.2, NM_001391979.1, NM_001391978.1 and 2 more transcripts).
Identifiers: ClinVar variation 3033656 (VCV003033656.2), dbSNP rs572174500, ClinGen allele CA4330352.
Genomic context (GRCh38, chr7:88,131,262, plus strand): 5'-TCCTGTTCATAAACTATTTGATTTTACCACATGTACAGCTGATGTGTTCATTTTATTAAT[A>G]TACTAGATATATAAAGACCAACTTAAGACCAGGATAGTATTGGTTGCTATGGAAACCTGG-3'